The following is an entry in ClinVar:

ClinVar aggregate classification (germline): Uncertain significance (1 of 4 stars; one submission).

Conditions:
Epileptic encephalopathy. Identifiers: MedGen C0543888, HP:0200134.

Allele frequency attached by ClinVar (database versions not stated): gnomAD 0.00001.
gnomAD v4.1: 3 of 1,583,442 alleles (0.00019%); highest among the groups gnomAD compares: Admixed American, 0.0035%; no homozygotes.

Submission:

Labcorp Genetics (formerly Invitae), Labcorp
Classification: Uncertain significance for Epileptic encephalopathy. Last evaluated: 2022-07-25. Review status: criteria provided, single submitter. Criteria: Invitae Variant Classification Sherloc (09022015). Collection method: clinical testing. Allele origin: germline.
Comment: This variant is not present in population databases (gnomAD no frequency). In summary, the available evidence is currently insufficient to determine the role of this variant in disease. Therefore, it has been classified as a Variant of Uncertain Significance. Algorithms developed to predict the effect of missense changes on protein structure and function (SIFT, PolyPhen-2, Align-GVGD) all suggest that this variant is likely to be tolerated. ClinVar contains an entry for this variant (Variation ID: 1006560). This variant has not been reported in the literature in individuals affected with RYR3-related conditions. This sequence change replaces glycine, which is neutral and non-polar, with glutamic acid, which is acidic and polar, at codon 5 of the RYR3 protein (p.Gly5Glu).

NM_001036.6(RYR3):c.14G>A (p.Gly5Glu)

Gene: RYR3 (ryanodine receptor 3; plus strand). Cytogenetic location: 15q13.3.
Variant type: single nucleotide variant.
Coding change: c.14G>A on transcript NM_001036.6 (MANE Select); coding-DNA position 14, G replaced by A.
Protein change: p.Gly5Glu; replaces glycine 5 with glutamic acid.
Molecular consequence: missense variant.
Genome position (GRCh38, 1-based): chr15:33,311,059, G>A. VCF-style: chr15-33311059-G-A. GRCh37 (hg19) VCF-style: chr15-33603260-G-A.
Other names: c.14G>A, p.Gly5Glu (NM_001243996.4); short protein forms G5E.
Identifiers: ClinVar variation 1006560 (VCV001006560.8), dbSNP rs771419772, ClinGen allele CA391916622.